The following is an entry in ClinVar:

ClinVar aggregate classification (germline): Uncertain significance (1 of 4 stars; one submission).

Conditions:
Dyskeratosis congenita. Identifiers: Orphanet 1775, MedGen C0265965, MONDO:0015780.

Allele frequency attached by ClinVar (database versions not stated): gnomAD exomes below 0.00001.
gnomAD v4.1: 2 of 1,594,206 alleles (0.00013%); highest among the groups gnomAD compares: Non-Finnish European, 0.00017%; no homozygotes.

Submission:

Ambry Genetics
Classification: Uncertain significance for Dyskeratosis congenita. Last evaluated: 2023-01-05. Review status: criteria provided, single submitter. Criteria: Ambry Variant Classification Scheme 2023. Collection method: clinical testing. Allele origin: germline.
Comment: The p.N204Y variant (also known as c.610A>T), located in coding exon 2 of the TERT gene, results from an A to T substitution at nucleotide position 610. The asparagine at codon 204 is replaced by tyrosine, an amino acid with dissimilar properties. This amino acid position is conserved. In addition, this alteration is predicted to be tolerated by in silico analysis. Since supporting evidence is limited at this time, the clinical significance of this alteration remains unclear.

NM_198253.3(TERT):c.610A>T (p.Asn204Tyr)

Gene: TERT (telomerase reverse transcriptase; minus strand). Cytogenetic location: 5p15.33.
Variant type: single nucleotide variant.
Coding change: c.610A>T on transcript NM_198253.3 (MANE Select); coding-DNA position 610, A replaced by T.
Protein change: p.Asn204Tyr; replaces asparagine 204 with tyrosine.
Molecular consequence: missense variant. On other transcripts: non-coding transcript variant (2).
Genome position (GRCh38, 1-based): chr5:1,294,276, T>A on the plus strand (A>T on the coding strand, the complement: TERT is on the minus strand). VCF-style: chr5-1294276-T-A. GRCh37 (hg19) VCF-style: chr5-1294391-T-A.
Other names: c.610A>T, p.Asn204Tyr (NM_001193376.3, NM_003219.1); short protein forms N204Y.
Identifiers: ClinVar variation 2447519 (VCV002447519.2), dbSNP rs2478423611, ClinGen allele CA359057184.